The following is an entry in ClinVar:

ClinVar aggregate classification (germline): Pathogenic/Likely pathogenic. Review status: criteria provided, multiple submitters, no conflicts (2 of 4 stars). 14 submissions from 14 submitters: Pathogenic (12); Likely pathogenic (1). 1 of the submissions does not count toward it. Last evaluated 2026-05-26.

Conditions:
ATM-related disorder. Also called: ATM-related disorders; ATM-related condition.
Familial colorectal cancer type X. Identifiers: Orphanet 440437, MedGen C3896578, MONDO:0018604.
ATM-related cancer predisposition. Also called: ATM-related cancer susceptibility. Identifiers: MedGen CN377759, MONDO:0700270.
Hereditary cancer-predisposing syndrome. Also called: Tumor predisposition; Neoplastic Syndromes, Hereditary; Hereditary neoplastic syndrome; Hereditary Cancer Syndrome. Identifiers: Orphanet 140162, MedGen C0027672, MeSH D009386, MONDO:0015356.
Familial cancer of breast. Also called: BREAST CANCER, FAMILIAL; Hereditary breast cancer; hereditary breast carcinoma. Identifiers: Orphanet 227535, MedGen C0346153, MONDO:0016419, OMIM 114480. Disease mechanism: loss of function.
Ataxia-telangiectasia syndrome (AT). Also called: Ataxia-telangiectasia, complementation group D; AT, COMPLEMENTATION GROUP C; Cerebello-oculocutaneous telangiectasia; Immunodeficiency with ataxia telangiectasia; ATAXIA-TELANGIECTASIA, COMPLEMENTATION GROUP A; ATAXIA-TELANGIECTASIA, FRESNO VARIANT. Identifiers: Orphanet 100, MedGen C0004135, MONDO:0008840, OMIM 208900.

Submissions (14):

PreventionGenetics, part of Exact Sciences
Classification: Pathogenic for ATM-related condition. Last evaluated: 2026-05-26. Review status: criteria provided, single submitter. Criteria: ACMG Guidelines, 2015. Collection method: clinical testing. Allele origin: germline.
Comment: The ATM c.1290_1291delTG variant is predicted to result in premature protein termination (p.Cys430*). This variant has been reported in multiple individuals with autosomal recessive ataxia telangiectasia (Table 1, Stankovic et al. 1998. PubMed ID: 9463314; Worth et al. 2012. PubMed ID: 23143971) or autosomal dominant susceptibility to breast and/or ovarian cancer (Table S2, Espinel et al. 2022. PubMed ID: 35626031). An in vitro experimental study suggests this variant increases cellular radiosensitivity (Figure 2, Worth et al. 2012. PubMed ID: 23143971). This variant is reported in 0.0033% of alleles in individuals of South Asian descent in gnomAD and is interpreted as likely pathogenic/pathogenic in ClinVar (Variation ID: 141241). Nonsense variants in ATM are expected to be pathogenic. This variant is interpreted as pathogenic.

Labcorp Genetics (formerly Invitae), Labcorp
Classification: Pathogenic for Ataxia-telangiectasia syndrome. Last evaluated: 2025-12-17. Review status: criteria provided, single submitter. Criteria: Invitae Variant Classification Sherloc (09022015). Collection method: clinical testing. Allele origin: germline.
Comment: This sequence change creates a premature translational stop signal (p.Cys430*) in the ATM gene. It is expected to result in an absent or disrupted protein product. Loss-of-function variants in ATM are known to be pathogenic (PMID: 23807571, 25614872). This variant is present in population databases (rs587781598, gnomAD 0.003%). This premature translational stop signal has been observed in individuals with ataxia-telangiectasia (PMID: 9463314, 23143971). ClinVar contains an entry for this variant (Variation ID: 141241). For these reasons, this variant has been classified as Pathogenic.

Quest Diagnostics Nichols Institute San Juan Capistrano
Classification: Pathogenic. Last evaluated: 2025-10-03. Review status: criteria provided, single submitter. Criteria: Quest Diagnostics criteria. Collection method: clinical testing. Allele origin: unknown.
Comment: The ATM c.1290_1291del (p.Cys430*) variant causes the premature termination of ATM protein synthesis. This variant has been reported in the published literature in individuals with Ataxia-telangiectasia (AT) (PMID: 9463314 (1998), 10817650 (2000), 21665257 (2011), 23143971 (2013)), breast cancer and/or ovarian cancer (PMID: 28779002 (2017), 33471991 (2021), 35626031 (2022), see also LOVD), and pancreatic cancer (PMID: 37024097 (2023)). This variant has also been identified in reportedly unaffected individuals (PMID: 33471991 (2021), see also LOVD). The frequency of this variant in the general population (Genome Aggregation Database) is consistent with pathogenicity. Based on the available information, this variant is classified as pathogenic.

Natera, Inc.
Classification: Pathogenic for Ataxia-telangiectasia. Last evaluated: 2025-04-19. Review status: criteria provided, single submitter. Criteria: Natera Variant Classification Schema (03/2026). Collection method: clinical testing. Allele origin: germline.
Comment: The c.1290_1291delTG variant in ATM is a frameshift variant predicted to shift the reading frame and introduce a stop codon. This variant is expected to result in nonsense mediated decay, truncation, or a dysfunctional protein product. This variant is rare in the general population with a frequency below the threshold expected for the associated phenotype(s). This variant has been observed in one or more individuals affected with the associated recessive disease, as either homozygous or compound heterozygous with a second variant (PMID: 25122203, 9463314). Given the available evidence, this variant is classified as Pathogenic.

Center for Genomic Medicine, Rigshospitalet, Copenhagen University Hospital
Classification: Pathogenic. Last evaluated: 2025-03-04. Review status: criteria provided, single submitter. Criteria: ACMG Guidelines, 2015. Collection method: clinical testing. Allele origin: germline.

Ambry Genetics
Classification: Pathogenic for Hereditary cancer-predisposing syndrome. Last evaluated: 2024-11-07. Review status: criteria provided, single submitter. Criteria: Ambry Variant Classification Scheme 2023. Collection method: clinical testing. Allele origin: germline.
Comment: The c.1290_1291delTG pathogenic mutation (also known as p.C430*), located in coding exon 9 of the ATM gene, results from a deletion of 2 nucleotides between positions 1290 and 1291. This changes the amino acid from a cysteine to a stop codon within coding exon 9. This alteration was reported in conjunction with a second pathogenic alteration in an ataxia-telangiectasia family (Stankovic T et al. Am J Hum Genet. 1998 Feb;62(2):334-45). Functional analyses of LCL and fibroblasts from this individual revealed absent ATM kinase activity, absent ATM protein expression, and increased radiosensitivity (Worth et al. Mov. Disord. 2013 Apr;28(4):524-8). This variant is considered to be rare based on population cohorts in the Genome Aggregation Database (gnomAD). In addition to the clinical data presented in the literature, this alteration is expected to result in loss of function by premature protein truncation or nonsense-mediated mRNA decay. As such, this alteration is interpreted as a disease-causing mutation.

Myriad Genetics, Inc.
Classification: Pathogenic for Familial cancer of breast. Last evaluated: 2024-01-16. Review status: criteria provided, single submitter. Criteria: Myriad Autosomal Dominant, Autosomal Recessive and X-Linked Classification Criteria (2023). Collection method: clinical testing. Allele origin: unknown.
Comment: This variant is considered pathogenic. This variant creates a termination codon and is predicted to result in premature protein truncation.

Blueprint Genetics
Classification: Likely pathogenic for ATM-related disorders. Last evaluated: 2023-10-30. Review status: criteria provided, single submitter. Criteria: ACMG Guidelines, 2015. Collection method: clinical testing. Allele origin: germline. Affected: yes. Observed: 2 variant alleles.

Department of Pathology and Laboratory Medicine, Sinai Health System
Classification: Pathogenic for Familial colorectal cancer type X. Last evaluated: 2023-09-14. Review status: criteria provided, single submitter. Criteria: ACMG Guidelines, 2015. Collection method: clinical testing. Allele origin: germline. Affected: yes.

GeneDx
Classification: Pathogenic. Last evaluated: 2023-05-03. Review status: criteria provided, single submitter. Criteria: GeneDx Variant Classification Process June 2021. Collection method: clinical testing. Allele origin: germline. Affected: yes.
Comment: Nonsense variant predicted to result in protein truncation or nonsense mediated decay in a gene for which loss-of-function is a known mechanism of disease; Not observed at significant frequency in large population cohorts (gnomAD); Truncating variants in this gene are considered pathogenic by a well-established clinical consortium and/or database; This variant is associated with the following publications: (PMID: 23143971, 9463314, 10817650, 28152038, 28779002, 31980526, 29922827, 35626031, 37024097)

Baylor Genetics
Classification: Pathogenic for Familial cancer of breast. Last evaluated: 2022-09-14. Review status: criteria provided, single submitter. Criteria: ACMG Guidelines, 2015. Collection method: clinical testing. Allele origin: unknown.

Women's Health and Genetics/Laboratory Corporation of America, LabCorp
Classification: Pathogenic for Ataxia-telangiectasia syndrome. Last evaluated: 2021-08-20. Review status: criteria provided, single submitter. Criteria: LabCorp Variant Classification Summary - May 2015. Collection method: clinical testing. Allele origin: germline.
Comment: Variant summary: ATM c.1290_1291delTG (p.Cys430X) results in a premature termination codon, predicted to cause a truncation of the encoded protein or absence of the protein due to nonsense mediated decay, which are commonly known mechanisms for disease. Truncations downstream of this position have been classified as pathogenic by our laboratory. The variant allele was found at a frequency of 4e-06 in 250386 control chromosomes. c.1290_1291delTG has been reported in the literature in individuals affected with Ataxia-Telangiectasia (Stankovic_1998, Worth_2013, Li_2000). One patient had mild AT, despite functional analysis of LCL and fibroblasts from this individual revealing absent ATM kinase activity, absent ATM protein expression, and increased radiosensitivity (Worth_2013). Four clinical diagnostic laboratories have submitted clinical-significance assessments for this variant to ClinVar after 2014 without evidence for independent evaluation. All laboratories classified the variant as pathogenic/likely pathogenic. Based on the evidence outlined above, the variant was classified as pathogenic.

University Health Network, Familial Cancer Clinic, Princess Margaret Cancer Centre
Classification: Pathogenic for ATM-related cancer predisposition. Review status: criteria provided, single submitter. Criteria: ACMG Guidelines, 2015. Collection method: clinical testing. Allele origin: germline. Inheritance: Autosomal dominant inheritance. Affected: no. Observed: 1 variant allele.

Counsyl
Classification: Likely pathogenic for Ataxia-telangiectasia syndrome. Last evaluated: 2015-12-28. Review status: no assertion criteria provided. Collection method: clinical testing. Allele origin: unknown. Not counted in ClinVar's aggregate classification.

Literature cited by the submitters: PubMed 23807571 (cited by Labcorp Genetics (formerly Invitae), Labcorp); PubMed 25614872 (cited by Labcorp Genetics (formerly Invitae), Labcorp); PubMed 9463314 (cited by 6 submitters); PubMed 23143971 (cited by 6 submitters); PubMed 25122203 (cited by Natera, Inc.); PubMed 10817650 (cited by 4 submitters).

NM_000051.4(ATM):c.1290_1291del (p.Cys430_Glu431delinsTer)

Gene: ATM (ATM serine/threonine kinase; plus strand). Cytogenetic location: 11q22.3.
Variant type: Microsatellite.
Coding change: c.1290_1291del on transcript NM_000051.4 (MANE Select); coding-DNA positions 1290 to 1291, 2 bases deleted (TG; older notation c.1290_1291delTG).
Protein change: p.Cys430_Glu431delinsTer.
Molecular consequence: nonsense.
Genome position (GRCh38, 1-based): chr11:108,250,755-108,250,756, TG deleted; deleting any 2 consecutive bases within chr11:108,250,753-108,250,756 gives the same sequence; the c. name uses the placement nearest the transcript's 3' end. VCF-style (leftmost placement, unchanged base first): chr11-108250752-CTG-C. GRCh37 (hg19) VCF-style: chr11-108121479-CTG-C.
Other names: c.1290_1291delTG (NM_000051.3, NM_000051.4); c.1290_1291del, p.Cys430_Glu431delinsTer (NM_001351834.2).
Identifiers: ClinVar variation 141241 (VCV000141241.36), dbSNP rs587781598, ClinGen allele CA164893.